The following is an entry in ClinVar:

NM_004568.6(SERPINB6):c.1115G>A (p.Arg372His)

Gene: SERPINB6 (serpin family B member 6; minus strand). Cytogenetic location: 6p25.2.
Variant type: single nucleotide variant.
Coding change: c.1115G>A on transcript NM_004568.6 (MANE Select); coding-DNA position 1115, G replaced by A.
Protein change: p.Arg372His; replaces arginine 372 with histidine.
Molecular consequence: missense variant. On other transcripts: non-coding transcript variant (1).
Genome position (GRCh38, 1-based): chr6:2,948,314, C>T on the plus strand (G>A on the coding strand, the complement: SERPINB6 is on the minus strand). VCF-style: chr6-2948314-C-T. GRCh37 (hg19) VCF-style: chr6-2948548-C-T.
Other names: c.1127G>A, p.Arg376His (NM_001195291.3, NM_001374515.1); c.1157G>A, p.Arg386His (NM_001271822.2); c.1172G>A, p.Arg391His (NM_001271823.2); c.1115G>A, p.Arg372His (NM_001271824.2, NM_001271825.2, NM_001297699.2 and 2 more transcripts); c.983G>A, p.Arg328His (NM_001374517.1); short protein forms R376H, R328H, R372H, R391H, R386H.
Identifiers: ClinVar variation 1407480 (VCV001407480.8), dbSNP rs748043996, ClinGen allele CA3617343.
Genomic context (GRCh38, chr6:2,948,314, plus strand): 5'-GGGGACAGAGAGGAGAGGGGCTGCACACCAAGACTGCCCTGTCCTCACGGAGAGGAAAAG[C>T]GGCCGCAGAAGAGAATCCCGTTGGTCTTGCTGTGCTGGATGAAGAAAAGGAAGGGGTGGT-3'
Protein context (NP_004559.4, residues 362-376): SKTNGILFCG[Arg372His]FSSP

ClinVar aggregate classification (germline): Uncertain significance (1 of 4 stars; one submission).

Allele frequency attached by ClinVar (database versions not stated): gnomAD exomes 0.00001; TOPMed 0.00001; ExAC 0.00002.
gnomAD v4.1: 6 of 1,613,710 alleles (0.00037%); highest among the groups gnomAD compares: Middle Eastern, 0.017%; no homozygotes.

Submission:

Labcorp Genetics (formerly Invitae), Labcorp
Classification: Uncertain significance. Last evaluated: 2022-06-13. Review status: criteria provided, single submitter. Criteria: Invitae Variant Classification Sherloc (09022015). Collection method: clinical testing. Allele origin: germline.
Comment: This sequence change replaces arginine, which is basic and polar, with histidine, which is basic and polar, at codon 372 of the SERPINB6 protein (p.Arg372His). In summary, the available evidence is currently insufficient to determine the role of this variant in disease. Therefore, it has been classified as a Variant of Uncertain Significance. Algorithms developed to predict the effect of missense changes on protein structure and function (SIFT, PolyPhen-2, Align-GVGD) all suggest that this variant is likely to be disruptive. This variant has not been reported in the literature in individuals affected with SERPINB6-related conditions. This variant is present in population databases (rs748043996, gnomAD 0.003%).